The following is an entry in ClinVar:

NM_014844.5(TECPR2):c.571C>T (p.Gln191Ter)

Gene: TECPR2 (tectonin beta-propeller repeat containing 2; plus strand). Cytogenetic location: 14q32.31.
Variant type: single nucleotide variant.
Coding change: c.571C>T on transcript NM_014844.5 (MANE Select); coding-DNA position 571, C replaced by T.
Protein change: p.Gln191Ter; replaces glutamine 191 with a stop codon.
Molecular consequence: nonsense.
Genome position (GRCh38, 1-based): chr14:102,414,726, C>T. VCF-style: chr14-102414726-C-T. GRCh37 (hg19) VCF-style: chr14-102881063-C-T.
Other names: c.571C>T, p.Gln191Ter (NM_001172631.3); short protein forms Q191*.
Identifiers: ClinVar variation 978471 (VCV000978471.5), dbSNP rs1888974364, ClinGen allele CA391041777.
Genomic context (GRCh38, chr14:102,414,726, plus strand): 5'-GAGCCATCTTCCATTGTGCAGCTGGATTATAGCCAGAAAGTGCTGCTGGTCTCTACTCTG[C>T]AAAGAAGTCTGCTCTTTTACACTGAAGAAAAGTCTGTAAGGCAAATTGGAACACAACCAA-3'

ClinVar aggregate classification (germline): Pathogenic/Likely pathogenic. Review status: criteria provided, multiple submitters, no conflicts (2 of 4 stars). 2 submissions from 2 submitters: Pathogenic (1); Likely pathogenic (1). Last evaluated 2024-03-17.

Conditions:
Hereditary spastic paraplegia 49 (HSAN9). Also called: Spastic paraplegia 49, autosomal recessive; NEUROPATHY, HEREDITARY SENSORY AND AUTONOMIC, TYPE IX, WITH DEVELOPMENTAL DELAY; TECPR2-Related Hereditary Sensory and Autonomic Neuropathy with Intellectual Disability. Identifiers: Orphanet 320385, MedGen C5190860, MONDO:0014016, OMIM 615031.

Submissions (2):

Genomic Medicine Center of Excellence, King Faisal Specialist Hospital and Research Centre
Classification: Pathogenic for Hereditary spastic paraplegia 49. Last evaluated: 2024-03-17. Review status: criteria provided, single submitter. Criteria: ACMG Guidelines, 2015. Collection method: research. Allele origin: germline.

Institute of Human Genetics, University of Leipzig Medical Center
Classification: Likely pathogenic for Hereditary spastic paraplegia 49. Last evaluated: 2020-09-16. Review status: criteria provided, single submitter. Criteria: ACMG Guidelines, 2015. Collection method: research. Allele origin: inherited. Inheritance: Autosomal recessive inheritance. Affected: yes. Observed: 1 homozygote.
Comment: This frameshift variant c.571C>T, p.(Gln191*) in exon 5/20 of TECPR2 has not been reported in the general population. Biallelic truncating or missense variants have been described to cause â€œSpastic paraplegia 49, autosomal recessiveâ€ (Oz-Levi et al. Am J Hum Genet. 2012, PMID: 23176824). Taken together, we classify this variant as likely pathogenic based on the ACMG recommendations (Richards et al., 2015, PMID 25741868; criteria: PVS1 PM2).

Literature cited by the submitters: PubMed 28940097 (cited by Institute of Human Genetics, University of Leipzig Medical Center).